The following is an entry in ClinVar:

NM_001127511.3(APC):c.-152C>G

Gene: APC (APC regulator of Wnt signaling pathway; plus strand). Cytogenetic location: 5q22.2.
Variant type: single nucleotide variant.
Coding change: c.-152C>G on transcript NM_001127511.3; 152 bases upstream of the start codon, C replaced by G.
Molecular consequence: 5 prime UTR variant. On other transcripts: non-coding transcript variant (2).
Genome position (GRCh38, 1-based): chr5:112,707,566, C>G. VCF-style: chr5-112707566-C-G. GRCh37 (hg19) VCF-style: chr5-112043263-C-G.
Other names: c.-335C>G (NM_001354895.2, NM_001407447.1, NM_001407452.1 and 3 more transcripts); c.-152C>G (NM_001354897.2, NM_001354902.2, NM_001407446.1); c.-102C>G (NM_001407448.1, NM_001407450.1, NM_001407457.1 and 1 more transcripts); c.-126C>G (NM_001407453.1); c.-1370C>G (NM_001407470.1, NM_001407472.1).
Identifiers: ClinVar variation 2777184 (VCV002777184.3), dbSNP rs138386816, ClinGen allele CA2674863528.

ClinVar aggregate classification (germline): Uncertain significance (1 of 4 stars; one submission).

Conditions:
Familial adenomatous polyposis 1 (FAP1). Also called: FAMILIAL ADENOMATOUS POLYPOSIS 1, ATTENUATED; POLYPOSIS, ADENOMATOUS INTESTINAL. Identifiers: MedGen C2713442, MONDO:0021056, OMIM 175100. Disease mechanism: loss of function.

gnomAD v4.1: 2 of 758,968 alleles (0.00026%); highest among the groups gnomAD compares: East Asian, 0.0039%; no homozygotes.

Submission:

Labcorp Genetics (formerly Invitae), Labcorp
Classification: Uncertain significance for Familial adenomatous polyposis 1. Last evaluated: 2023-09-04. Review status: criteria provided, single submitter. Criteria: Invitae Variant Classification Sherloc (09022015). Collection method: clinical testing. Allele origin: germline.
Comment: This variant occurs in a non-coding region of the APC gene. It does not change the encoded amino acid sequence of the APC protein. This variant is not present in population databases (gnomAD no frequency). This variant has not been reported in the literature in individuals affected with APC-related conditions. Experimental studies and prediction algorithms are not available or were not evaluated, and the functional significance of this variant is currently unknown. In summary, the available evidence is currently insufficient to determine the role of this variant in disease. Therefore, it has been classified as a Variant of Uncertain Significance.